The following is an entry in ClinVar:

ClinVar aggregate classification (germline): Uncertain significance (1 of 4 stars; one submission).

Allele frequency attached by ClinVar (database versions not stated): gnomAD exomes below 0.00001.
gnomAD v4.1: 1 of 1,613,432 alleles (0.000062%); highest among the groups gnomAD compares: South Asian, 0.0011%; no homozygotes.

Submission:

Labcorp Genetics (formerly Invitae), Labcorp
Classification: Uncertain significance. Last evaluated: 2022-12-25. Review status: criteria provided, single submitter. Criteria: Invitae Variant Classification Sherloc (09022015). Collection method: clinical testing. Allele origin: germline.
Comment: In summary, the available evidence is currently insufficient to determine the role of this variant in disease. Therefore, it has been classified as a Variant of Uncertain Significance. Variants that disrupt the consensus splice site are a relatively common cause of aberrant splicing (PMID: 17576681, 9536098). Algorithms developed to predict the effect of sequence changes on RNA splicing suggest that this variant is not likely to affect RNA splicing. This variant has not been reported in the literature in individuals affected with IGF1R-related conditions. The frequency data for this variant in the population databases is considered unreliable, as metrics indicate poor data quality at this position in the gnomAD database. This sequence change falls in intron 5 of the IGF1R gene. It does not directly change the encoded amino acid sequence of the IGF1R protein. It affects a nucleotide within the consensus splice site.

Literature cited by the submitters: PubMed 17576681; PubMed 9536098.

NM_000875.5(IGF1R):c.1248-3T>C

Gene: IGF1R (insulin like growth factor 1 receptor; plus strand). Cytogenetic location: 15q26.3.
Variant type: single nucleotide variant.
Coding change: c.1248-3T>C on transcript NM_000875.5 (MANE Select); 3 bases into the intron before coding-DNA position 1248, T replaced by C.
Molecular consequence: intron variant.
Genome position (GRCh38, 1-based): chr15:98,908,682, T>C. VCF-style: chr15-98908682-T-C. GRCh37 (hg19) VCF-style: chr15-99451911-T-C.
Other names: c.1248-3T>C (NM_001291858.2).
Identifiers: ClinVar variation 2818261 (VCV002818261.3), dbSNP rs1351660871, ClinGen allele CA620299684.